The following is an entry in ClinVar:

NM_173660.4(DOK7):c.332-121_332-18del104ins234

Gene: DOK7 (docking protein 7; plus strand). Cytogenetic location: 4p16.3.
Variant type: Indel.
Coding change: c.332-121_332-18del104ins234 on transcript NM_173660.4; 121 bases into the intron before coding-DNA position 332 through 18 bases into the intron before coding-DNA position 332, this stretch deleted.
Identifiers: ClinVar variation 506720 (VCV000506720.1).

ClinVar aggregate classification (germline): Likely benign (1 of 4 stars; one submission).

Submission:

GeneDx
Classification: Likely benign. Last evaluated: 2016-11-17. Review status: criteria provided, single submitter. Criteria: GeneDx Variant Classification (06012015). Collection method: clinical testing. Allele origin: germline. Affected: yes.
Comment: This variant is considered likely benign or benign based on one or more of the following criteria: it is a conservative change, it occurs at a poorly conserved position in the protein, it is predicted to be benign by multiple in silico algorithms, and/or has population frequency not consistent with disease.